The following is an entry in ClinVar:

ClinVar aggregate classification (germline): Uncertain significance (1 of 4 stars; one submission).

Allele frequency attached by ClinVar (database versions not stated): TOPMed 0.00001.
gnomAD v4.1: 18 of 1,592,260 alleles (0.0011%); highest among the groups gnomAD compares: Non-Finnish European, 0.0015%; no homozygotes.

Submission:

Labcorp Genetics (formerly Invitae), Labcorp
Classification: Uncertain significance. Last evaluated: 2022-03-19. Review status: criteria provided, single submitter. Criteria: Invitae Variant Classification Sherloc (09022015). Collection method: clinical testing. Allele origin: germline.
Comment: This sequence change replaces aspartic acid, which is acidic and polar, with asparagine, which is neutral and polar, at codon 37 of the BMP1 protein (p.Asp37Asn). The frequency data for this variant in the population databases is considered unreliable, as metrics indicate poor data quality at this position in the gnomAD database. This variant has not been reported in the literature in individuals affected with BMP1-related conditions. Algorithms developed to predict the effect of missense changes on protein structure and function (SIFT, PolyPhen-2, Align-GVGD) all suggest that this variant is likely to be tolerated. In summary, the available evidence is currently insufficient to determine the role of this variant in disease. Therefore, it has been classified as a Variant of Uncertain Significance.

NM_006129.5(BMP1):c.109G>A (p.Asp37Asn)

Genes: BMP1 (bone morphogenetic protein 1; plus strand), LOC129999976 (ATAC-STARR-seq lymphoblastoid silent region 18982; plus strand). Cytogenetic location: 8p21.3.
Variant type: single nucleotide variant.
Coding change: c.109G>A on transcript NM_006129.5 (MANE Select); coding-DNA position 109, G replaced by A.
Protein change: p.Asp37Asn; replaces aspartic acid 37 with asparagine.
Molecular consequence: missense variant. On other transcripts: non-coding transcript variant (2).
Genome position (GRCh38, 1-based): chr8:22,165,514, G>A. VCF-style: chr8-22165514-G-A. GRCh37 (hg19) VCF-style: chr8-22023027-G-A.
Other names: c.109G>A, p.Asp37Asn (NM_001199.4); short protein forms D37N.
Identifiers: ClinVar variation 1901204 (VCV001901204.2), dbSNP rs1161097944, ClinGen allele CA370539916.